The following is an entry in ClinVar:

NM_000512.5(GALNS):c.121-2A>G

Gene: GALNS (galactosamine (N-acetyl)-6-sulfatase; minus strand). Cytogenetic location: 16q24.3.
Variant type: single nucleotide variant.
Coding change: c.121-2A>G on transcript NM_000512.5 (MANE Select); the canonical splice acceptor site of the intron before coding-DNA position 121, A replaced by G.
Molecular consequence: splice acceptor variant. On other transcripts: intron variant (1).
Genome position (GRCh38, 1-based): chr16:88,842,831, T>C on the plus strand (A>G on the coding strand, the complement: GALNS is on the minus strand). VCF-style: chr16-88842831-T-C. GRCh37 (hg19) VCF-style: chr16-88909239-T-C.
Other names: c.-311-860A>G (NM_001323543.2); c.139-2A>G (NM_001323544.2).
Identifiers: ClinVar variation 572428 (VCV000572428.14), dbSNP rs1567538216, ClinGen allele CA397092207.

ClinVar aggregate classification (germline): Pathogenic/Likely pathogenic. Review status: criteria provided, multiple submitters, no conflicts (2 of 4 stars). 4 submissions from 4 submitters: Pathogenic (3); Likely pathogenic (1). Last evaluated 2024-05-26.

Conditions:
Mucopolysaccharidosis, MPS-IV-A (MPS4A). Also called: Mucopolysaccharidosis Type IVA; GALACTOSAMINE-6-SULFATASE DEFICIENCY; GALNS DEFICIENCY; MORQUIO A DISEASE; MPS IVA; Morquio syndrome A, mild. Identifiers: Orphanet 309297, Orphanet 582, MedGen C0086651, MONDO:0009659, OMIM 253000.

Submissions (4):

Fulgent Genetics
Classification: Likely pathogenic for Mucopolysaccharidosis, MPS-IV-A. Last evaluated: 2024-05-26. Review status: criteria provided, single submitter. Criteria: ACMG Guidelines, 2015. Collection method: clinical testing. Allele origin: germline.

Labcorp Genetics (formerly Invitae), Labcorp
Classification: Pathogenic for Mucopolysaccharidosis, MPS-IV-A. Last evaluated: 2023-01-28. Review status: criteria provided, single submitter. Criteria: Invitae Variant Classification Sherloc (09022015). Collection method: clinical testing. Allele origin: germline.
Comment: For these reasons, this variant has been classified as Pathogenic. Studies have shown that disruption of this splice site results in skipping of exon 2 and introduces a premature termination codon (PMID: 7987329). The resulting mRNA is expected to undergo nonsense-mediated decay. This sequence change affects an acceptor splice site in intron 1 of the GALNS gene. RNA analysis indicates that disruption of this splice site induces altered splicing and may result in an absent or disrupted protein product. This variant is not present in population databases (gnomAD no frequency). Disruption of this splice site has been observed in individual(s) with mucopolysaccharidosis type IVA (PMID: 7987329). It has also been observed to segregate with disease in related individuals. ClinVar contains an entry for this variant (Variation ID: 572428).

Genome-Nilou Lab
Classification: Pathogenic for Mucopolysaccharidosis, MPS-IV-A. Last evaluated: 2021-11-07. Review status: criteria provided, single submitter. Criteria: ACMG Guidelines, 2015. Collection method: clinical testing. Allele origin: germline. Affected: no.

Laboratory of Diagnosis and Therapy of Lysosomal Disorders, University of Padova
Classification: Pathogenic for Mucopolysaccharidosis, MPS-IV-A. Last evaluated: 2021-02-01. Review status: criteria provided, single submitter. Criteria: ACMG Guidelines, 2015. Collection method: curation. Allele origin: germline. Affected: yes.
Comment: Splicing variant in canonical site (PVS1_very strong); in vivo functional studies supportive of a damaging effect on the gene product (low to null enzymatic activity in homozygotes; PS3_supporting); absent from gnomAD v2.1.1 (PM2_moderate)

Literature cited by the submitters: PubMed 7987329 (cited by Labcorp Genetics (formerly Invitae), Labcorp); PubMed 7795586 (cited by Laboratory of Diagnosis and Therapy of Lysosomal Disorders, University of Padova); PubMed 34387910 (cited by Laboratory of Diagnosis and Therapy of Lysosomal Disorders, University of Padova).